The following is an entry in ClinVar:

NM_001110556.2(FLNA):c.2449C>T (p.Pro817Ser)

Gene: FLNA (filamin A; minus strand). Cytogenetic location: Xq28.
Variant type: single nucleotide variant.
Coding change: c.2449C>T on transcript NM_001110556.2 (MANE Select); coding-DNA position 2449, C replaced by T.
Protein change: p.Pro817Ser; replaces proline 817 with serine.
Molecular consequence: missense variant.
Genome position (GRCh38, 1-based): chrX:154,362,534, G>A on the plus strand (C>T on the coding strand, the complement: FLNA is on the minus strand). VCF-style: chrX-154362534-G-A. GRCh37 (hg19) VCF-style: chrX-153590902-G-A.
Other names: p.P817S:CCC>TCC; c.2449C>T, p.Pro817Ser (NM_001456.4); c.2449C>T (NM_001110556.1); short protein forms P817S.
Identifiers: ClinVar variation 194727 (VCV000194727.77), dbSNP rs200053635, ClinGen allele CA240862.
Genomic context (GRCh38, chrX:154,362,534, plus strand): 5'-TGACCGTGAAGGTGTCATTGTCATTGCGGATGATGTCGAAGTCGATGTCAGCTTCGGCGG[G>A]GCCTACCACTCCAGGGGCACACTTGATGCCGATGCTGACGTCCCCTGCGGCGGGGAGAGG-3'
Protein context (NP_001104026.1, residues 807-827): GIKCAPGVVG[Pro817Ser]AEADIDFDII

ClinVar aggregate classification (germline): Conflicting classifications of pathogenicity. Review status: criteria provided, conflicting classifications (1 of 4 stars). 17 submissions from 17 submitters: Uncertain significance (2); Benign (4); Likely benign (7). 4 of the submissions do not count toward it. Last evaluated 2026-09-21.

Conditions:
Connective tissue disorder. Also called: Connective tissue disease. Identifiers: MedGen C0009782, MONDO:0003900.
Disorder of sexual differentiation. Also called: Disorder of sex development; Difference of sexual differentiation. Identifiers: Orphanet 90771, MedGen C2930619, MONDO:0002145.
FLNA-related disorder.
Melnick-Needles syndrome (MNS). Also called: MELNICK-NEEDLES OSTEODYSPLASTY; OSTEODYSPLASTY OF MELNICK AND NEEDLES; Melnick-Needles Syndrome (FLNA-MNS). Identifiers: Orphanet 2484, MedGen C0025237, MONDO:0010650, OMIM 309350.
Heterotopia, periventricular, X-linked dominant (PVNH1). Also called: PERIVENTRICULAR NODULAR HETEROTOPIA 4; HETEROTOPIA, PERIVENTRICULAR, 1; X-linked periventricular heterotopia; PERIVENTRICULAR NODULAR HETEROTOPIA 1. Identifiers: Orphanet 2149, Orphanet 82004, MedGen C1848213, MONDO:0010233, OMIM 300049.
Frontometaphyseal dysplasia (FMD1). Identifiers: Orphanet 1826, MedGen C0265293, MONDO:0015942.
Oto-palato-digital syndrome, type II (OPD2). Also called: FACIOPALATOOSSEOUS SYNDROME; Otopalatodigital Syndrome, Type II; OPD II SYNDROME; Otopalatodigital Syndrome Type 2 (FLNA-OPD2). Identifiers: Orphanet 669, Orphanet 90652, MedGen C1844696, MONDO:0010571, OMIM 304120.
Ehlers-Danlos syndrome (EDS). Identifiers: Orphanet 98249, MedGen C0013720, MONDO:0020066.
Familial thoracic aortic aneurysm and aortic dissection (TAAD). Also called: Thoracic aortic aneurysms and dissections. Identifiers: Orphanet 91387, MedGen C4707243, MONDO:0019625.

Allele frequency attached by ClinVar (database versions not stated): gnomAD 0.00029 and 0.00032; gnomAD exomes 0.00045 and 0.00046; ExAC 0.00053; ESP Exome Variant Server 0.00020; TOPMed 0.00020.
gnomAD v4.1: 540 of 1,210,103 alleles (0.045%); highest among the groups gnomAD compares: South Asian, 0.093%; no homozygotes.

Submissions (17):

Molecular Diagnostic Laboratory for Inherited Cardiovascular Disease, Montreal Heart Institute
Classification: Likely benign. Last evaluated: 2026-09-21. Review status: criteria provided, single submitter. Criteria: ACMG Guidelines, 2015. Collection method: clinical testing. Allele origin: germline. Affected: no.
Comment: BS1

Labcorp Genetics (formerly Invitae), Labcorp
Classification: Benign for Oto-palato-digital syndrome, type II; Heterotopia, periventricular, X-linked dominant; Frontometaphyseal dysplasia; Melnick-Needles syndrome. Last evaluated: 2026-01-21. Review status: criteria provided, single submitter. Criteria: Invitae Variant Classification Sherloc (09022015). Collection method: clinical testing. Allele origin: germline.

Mayo Clinic Laboratories, Mayo Clinic
Classification: Likely benign. Last evaluated: 2025-03-04. Review status: criteria provided, single submitter. Criteria: ACMG Guidelines, 2015. Collection method: clinical testing. Allele origin: germline. Observed: 7 variant alleles.
Comment: the same text as in the submission from Molecular Diagnostic Laboratory for Inherited Cardiovascular Disease, Montreal Heart Institute above.

Blueprint Genetics
Classification: Likely benign. Last evaluated: 2024-11-21. Review status: criteria provided, single submitter. Criteria: ACMG Guidelines, 2015. Collection method: clinical testing. Allele origin: germline.

Women's Health and Genetics/Laboratory Corporation of America, LabCorp
Classification: Benign. Last evaluated: 2023-10-31. Review status: criteria provided, single submitter. Criteria: LabCorp Variant Classification Summary - May 2015. Collection method: clinical testing. Allele origin: germline.
Comment: Variant summary: FLNA c.2449C>T (p.Pro817Ser) results in a non-conservative amino acid change in the encoded protein sequence. Three of five in-silico tools predict a damaging effect of the variant on protein function. The variant allele was found at a frequency of 0.00045 in 180748 control chromosomes, predominantly at a frequency of 0.00079 within the South Asian subpopulation in the gnomAD database. The observed variant frequency within South Asian control individuals in the gnomAD database is approximately 2528 fold of the estimated maximal expected allele frequency for a pathogenic variant in FLNA causing Periventricular Nodular Heterotopia phenotype (3.1e-07), strongly suggesting that the variant is a benign polymorphism found primarily in populations of South Asian origin. c.2449C>T has been reported in the literature in individuals affected with various diseases such as disorders of gonadal development, congenital macrothrombocytopenia and connective tissue disorders, without strong evidence for causality (examples, Renner_2019, Zidoune_2022, Smolag_2021). These report(s) do not provide unequivocal conclusions about association of the variant with Periventricular Nodular Heterotopia. To our knowledge, no experimental evidence demonstrating an impact on protein function has been reported. The following publications have been ascertained in the context of this evaluation (PMID: 30675029, 34858435, 36110220). Nine submitters have cited clinical-significance assessments for this variant to ClinVar after 2014 (Benign/Likely benign, n=7; VUS, n=2). Based on the evidence outlined above, the variant was classified as benign.

ARUP Laboratories, Molecular Genetics and Genomics, ARUP Laboratories
Classification: Benign. Last evaluated: 2021-10-07. Review status: criteria provided, single submitter. Criteria: ARUP Molecular Germline Variant Investigation Process 2021. Collection method: clinical testing. Allele origin: germline.

GeneDx
Classification: Likely benign. Last evaluated: 2020-09-25. Review status: criteria provided, single submitter. Criteria: GeneDx Variant Classification Process June 2021. Collection method: clinical testing. Allele origin: germline. Affected: yes.

Cambridge Genomics Laboratory, East Genomic Laboratory Hub, NHS Genomic Medicine Service
Classification: Uncertain significance for Ehlers-Danlos syndrome. Last evaluated: 2019-10-16. Review status: criteria provided, single submitter. Criteria: ACGS Best Practice Guidelines for Variant Classification in Rare Disease 2020. Collection method: clinical testing. Allele origin: germline. Affected: yes. Observed: 1 variant allele.

Center for Human Genetics, Inc
Classification: Likely benign for Connective tissue disorder. Last evaluated: 2018-06-01. Review status: criteria provided, single submitter. Criteria: ACMG Guidelines, 2015. Collection method: clinical testing. Allele origin: germline. Affected: yes.

Ambry Genetics
Classification: Benign for Familial thoracic aortic aneurysm and aortic dissection. Last evaluated: 2017-06-22. Review status: criteria provided, single submitter. Criteria: Ambry Variant Classification Scheme 2023. Collection method: clinical testing. Allele origin: germline.

Center for Pediatric Genomic Medicine, Children's Mercy Hospital and Clinics
Classification: Likely benign. Last evaluated: 2016-09-20. Review status: criteria provided, single submitter. Criteria: ACMG Guidelines, 2015. Collection method: clinical testing. Allele origin: germline.
ClinVar note: Converted during submission from Likely Benign to Likely benign.

CeGaT Center for Human Genetics Tuebingen
Classification: Uncertain significance. Last evaluated: 2016-07-01. Review status: criteria provided, single submitter. Criteria: CeGaT Center For Human Genetics Tuebingen Variant Classification Criteria Version 2. Collection method: clinical testing. Allele origin: germline. Affected: yes. Observed: 2 variant alleles.

Eurofins Ntd Llc (ga)
Classification: Likely benign. Last evaluated: 2016-01-08. Review status: criteria provided, single submitter. Criteria: EGL Classification Definitions 2015. Collection method: clinical testing. Allele origin: germline. Observed: 3 variant alleles, 1 heterozygote, 2 hemizygotes.

Human Developmental Genetics, Institut Pasteur
Classification: Uncertain significance for Disorder of sexual differentiation. Last evaluated: 2021-08-15. Review status: no assertion criteria provided. Collection method: research. Allele origin: maternal. Inheritance: X-linked inheritance. Affected: yes. Observed: 1 variant allele, 1 hemizygote. Not counted in ClinVar's aggregate classification.

PreventionGenetics, part of Exact Sciences
Classification: Likely benign for FLNA-related condition. Last evaluated: 2019-09-24. Review status: no assertion criteria provided. Collection method: clinical testing. Allele origin: germline. Not counted in ClinVar's aggregate classification.
Comment: This variant is classified as likely benign based on ACMG/AMP sequence variant interpretation guidelines (Richards et al. 2015 PMID: 25741868, with internal and published modifications).

Genome Diagnostics Laboratory, University Medical Center Utrecht
Classification: Likely benign. Review status: no assertion criteria provided. Collection method: clinical testing. Allele origin: germline. Affected: yes. Study: VKGL Data-share Consensus. Not counted in ClinVar's aggregate classification.

Laboratory of Diagnostic Genome Analysis, Leiden University Medical Center (LUMC)
Classification: Likely benign. Review status: no assertion criteria provided. Collection method: clinical testing. Allele origin: germline. Affected: yes. Study: VKGL Data-share Consensus. Not counted in ClinVar's aggregate classification.

Literature cited by the submitters: PubMed 30675029 (cited by Mayo Clinic Laboratories, Mayo Clinic and Women's Health and Genetics/Laboratory Corporation of America, LabCorp); PubMed 32100410 (cited by Mayo Clinic Laboratories, Mayo Clinic); PubMed 36110220 (cited by Women's Health and Genetics/Laboratory Corporation of America, LabCorp); PubMed 34858435 (cited by Women's Health and Genetics/Laboratory Corporation of America, LabCorp).